The following is an entry in ClinVar:

ClinVar aggregate classification (germline): Uncertain significance (1 of 4 stars; one submission).

Submission:

Labcorp Genetics (formerly Invitae), Labcorp
Classification: Uncertain significance. Last evaluated: 2024-12-09. Review status: criteria provided, single submitter. Criteria: Invitae Variant Classification Sherloc (09022015). Collection method: clinical testing. Allele origin: germline.
Comment: This variant, c.659_661del, results in the deletion of 1 amino acid(s) of the RMND1 protein (p.Glu220del), but otherwise preserves the integrity of the reading frame. This variant is not present in population databases (gnomAD no frequency). This variant has not been reported in the literature in individuals affected with RMND1-related conditions. Experimental studies and prediction algorithms are not available or were not evaluated, and the functional significance of this variant is currently unknown. In summary, the available evidence is currently insufficient to determine the role of this variant in disease. Therefore, it has been classified as a Variant of Uncertain Significance.

NM_017909.4(RMND1):c.656AAG[1] (p.Glu220del)

Gene: RMND1 (required for meiotic nuclear division 1 homolog; minus strand). Cytogenetic location: 6q25.1.
Variant type: Microsatellite.
Coding change: c.656AAG[1] on transcript NM_017909.4 (MANE Select); one copy of the 3-base unit AAG starting at c.656; the reference has two copies in a row; one copy, 3 bases deleted.
Protein change: p.Glu220del; deletes glutamic acid 220.
Genome position (GRCh38, 1-based): chr6:151,433,183-151,433,185, CTT deleted on the plus strand (AAG on the coding strand, the reverse complement: RMND1 is on the minus strand); deleting any 3 consecutive bases within chr6:151,433,183-151,433,188 gives the same sequence; the position shown is the placement nearest the transcript's 3' end. VCF-style (leftmost placement, unchanged base first): chr6-151433182-CCTT-C. GRCh37 (hg19) VCF-style: chr6-151754317-CCTT-C.
Other names: c.146AAG[1], p.Glu50del (NM_001271937.2); short protein forms E220del, E50del.
Identifiers: ClinVar variation 3673457 (VCV003673457.2).